The following is an entry in ClinVar:

NM_000540.3(RYR1):c.4657G>A (p.Val1553Ile)

Gene: RYR1 (ryanodine receptor 1; plus strand). Cytogenetic location: 19q13.2.
Variant type: single nucleotide variant.
Coding change: c.4657G>A on transcript NM_000540.3 (MANE Select); coding-DNA position 4657, G replaced by A.
Protein change: p.Val1553Ile; replaces valine 1553 with isoleucine.
Molecular consequence: missense variant.
Genome position (GRCh38, 1-based): chr19:38,483,063, G>A. VCF-style: chr19-38483063-G-A. GRCh37 (hg19) VCF-style: chr19-38973703-G-A.
Other names: c.4657G>A, p.Val1553Ile (NM_001042723.2); short protein forms V1553I.
Identifiers: ClinVar variation 544403 (VCV000544403.14), dbSNP rs775732541, ClinGen allele CA066342.

ClinVar aggregate classification (germline): Uncertain significance. Review status: criteria provided, multiple submitters, no conflicts (2 of 4 stars). 6 submissions from 6 submitters: Uncertain significance (6). Last evaluated 2025-05-13.

Conditions:
Inborn genetic diseases. Identifiers: MedGen C0950123, MeSH D030342.
RYR1-related disorder. Also called: RYR1-related condition; RYR1-related disorders. Identifiers: MedGen CN239331.
Malignant hyperthermia, susceptibility to, 1 (MHS1). Also called: RYR1-Related Malignant Hyperthermia Susceptibility; Anesthesia related hyperthermia; Malignant hyperpyrexia; Fulminating hyperpyrexia; Pharmacogenic myopathy; Malignant hyperthermia suceptibility 1. Identifiers: Orphanet 423, MedGen C2930980, MONDO:0007783, OMIM 145600.

Allele frequency attached by ClinVar (database versions not stated): TOPMed 0.00001; ExAC 0.00002; gnomAD exomes 0.00002 and 0.00004.
gnomAD v4.1: 28 of 1,613,920 alleles (0.0017%); highest among the groups gnomAD compares: Admixed American, 0.017%; 1 homozygote.

Submissions (6):

Women's Health and Genetics/Laboratory Corporation of America, LabCorp
Classification: Uncertain significance. Last evaluated: 2025-05-13. Review status: criteria provided, single submitter. Criteria: LabCorp Variant Classification Summary - May 2015. Collection method: clinical testing. Allele origin: germline.
Comment: Variant summary: RYR1 c.4657G>A (p.Val1553Ile) results in a conservative amino acid change in the encoded protein sequence. Algorithms developed to predict the effect of missense changes on protein structure and function all suggest that this variant is likely to be tolerated. The variant allele was found at a frequency of 4.4e-05 in 251442 control chromosomes. This frequency is not significantly higher than estimated for a pathogenic variant in RYR1 causing Congenital multicore myopathy with external ophthalmoplegia (4.4e-05 vs 0.0011), allowing no conclusion about variant significance. To our knowledge, no occurrence of c.4657G>A in individuals affected with Congenital multicore myopathy with external ophthalmoplegia and no experimental evidence demonstrating its impact on protein function have been reported. ClinVar contains an entry for this variant (Variation ID: 544403). Based on the evidence outlined above, the variant was classified as uncertain significance.

GeneDx
Classification: Uncertain significance. Last evaluated: 2024-12-17. Review status: criteria provided, single submitter. Criteria: GeneDx Variant Classification Process June 2021. Collection method: clinical testing. Allele origin: germline. Affected: yes.
Comment: In silico analysis indicates that this missense variant does not alter protein structure/function; Has not been previously published as pathogenic or benign to our knowledge

Labcorp Genetics (formerly Invitae), Labcorp
Classification: Uncertain significance for RYR1-related disorder. Last evaluated: 2024-11-02. Review status: criteria provided, single submitter. Criteria: Invitae Variant Classification Sherloc (09022015). Collection method: clinical testing. Allele origin: germline.
Comment: This sequence change replaces valine, which is neutral and non-polar, with isoleucine, which is neutral and non-polar, at codon 1553 of the RYR1 protein (p.Val1553Ile). This variant is present in population databases (rs775732541, gnomAD 0.02%). This variant has not been reported in the literature in individuals affected with RYR1-related conditions. ClinVar contains an entry for this variant (Variation ID: 544403). Invitae Evidence Modeling of protein sequence and biophysical properties (such as structural, functional, and spatial information, amino acid conservation, physicochemical variation, residue mobility, and thermodynamic stability) indicates that this missense variant is not expected to disrupt RYR1 protein function with a negative predictive value of 80%. In summary, the available evidence is currently insufficient to determine the role of this variant in disease. Therefore, it has been classified as a Variant of Uncertain Significance.

All of Us Research Program, National Institutes of Health
Classification: Uncertain significance for Malignant hyperthermia, susceptibility to, 1. Last evaluated: 2024-09-23. Review status: criteria provided, single submitter. Criteria: ACMG Guidelines, 2015. Collection method: clinical testing. Allele origin: germline. Inheritance: Autosomal dominant inheritance. Observed: 11 variant alleles, 11 heterozygotes.
Comment: This missense variant replaces valine with isoleucine at codon 1553 of the RYR1 protein. Computational prediction suggests that this variant may not impact protein structure and function (internally defined REVEL score threshold <= 0.5, PMID: 27666373). To our knowledge, functional studies have not been reported for this variant. This variant has not been reported in individuals affected with RYR1-related disorders in the literature. This variant has been identified in 11/251442 chromosomes in the general population by the Genome Aggregation Database (gnomAD). The available evidence is insufficient to determine the role of this variant in disease conclusively. Therefore, this variant is classified as a Variant of Uncertain Significance.

This study involves interpretation of variants in research participants for the purpose of population health screening. Participant phenotype was not available at the time of variant classification. Additional details can be found in publication PMID: 35346344, PMCID: PMC8962531

Revvity Omics, Revvity
Classification: Uncertain significance. Last evaluated: 2023-01-18. Review status: criteria provided, single submitter. Criteria: ACMG Guidelines, 2015. Collection method: clinical testing. Allele origin: germline.

Ambry Genetics
Classification: Uncertain significance for Inborn genetic diseases. Last evaluated: 2021-06-18. Review status: criteria provided, single submitter. Criteria: Ambry Variant Classification Scheme 2023. Collection method: clinical testing. Allele origin: germline.